The following is an entry in ClinVar:

ClinVar aggregate classification (germline): Pathogenic. Review status: criteria provided, single submitter (1 of 4 stars). 2 submissions from 2 submitters: Pathogenic (1). 1 of the submissions does not count toward it. Last evaluated 2025-05-22.

Conditions:
Oguchi disease. Also called: Oguchi's disease. Identifiers: Orphanet 75382, MedGen C1306122, MONDO:0019152.

Allele frequency attached by ClinVar (database versions not stated): TOPMed 0.00001; ExAC 0.00002; gnomAD 0.00001; gnomAD exomes 0.00001.
gnomAD v4.1: 16 of 1,613,022 alleles (0.00099%); highest among the groups gnomAD compares: East Asian, 0.0022%; no homozygotes.

Submissions (2):

Labcorp Genetics (formerly Invitae), Labcorp
Classification: Pathogenic. Last evaluated: 2025-05-22. Review status: criteria provided, single submitter. Criteria: Invitae Variant Classification Sherloc (09022015). Collection method: clinical testing. Allele origin: germline.
Comment: This sequence change creates a premature translational stop signal (p.Arg175*) in the SAG gene. It is expected to result in an absent or disrupted protein product. Loss-of-function variants in SAG are known to be pathogenic (PMID: 9452120, 15234147, 22665972). This variant is present in population databases (rs587777209, gnomAD 0.003%). This premature translational stop signal has been observed in individual(s) with Oguchi disease (PMID: 15234147). ClinVar contains an entry for this variant (Variation ID: 102422). For these reasons, this variant has been classified as Pathogenic.

OMIM
Classification: Pathogenic for OGUCHI DISEASE 1. Last evaluated: 2004-07-01. Review status: no assertion criteria provided. Collection method: literature only. Allele origin: germline. Not counted in ClinVar's aggregate classification.

Literature cited by the submitters: PubMed 9452120 (cited by Labcorp Genetics (formerly Invitae), Labcorp); PubMed 15234147 (cited by Labcorp Genetics (formerly Invitae), Labcorp and OMIM); PubMed 22665972 (cited by Labcorp Genetics (formerly Invitae), Labcorp).

NM_000541.5(SAG):c.523C>T (p.Arg175Ter)

Gene: SAG (S-antigen visual arrestin; plus strand). Cytogenetic location: 2q37.1.
Variant type: single nucleotide variant.
Coding change: c.523C>T on transcript NM_000541.5 (MANE Select); coding-DNA position 523, C replaced by T.
Protein change: p.Arg175Ter; replaces arginine 175 with a stop codon.
Molecular consequence: nonsense.
Genome position (GRCh38, 1-based): chr2:233,328,488, C>T. VCF-style: chr2-233328488-C-T. GRCh37 (hg19) VCF-style: chr2-234237134-C-T.
Other names: short protein forms R175*.
Identifiers: ClinVar variation 102422 (VCV000102422.5), dbSNP rs587777209, ClinGen allele CA150740.